The following is an entry in ClinVar:

ClinVar aggregate classification (germline): Uncertain significance (1 of 4 stars; one submission).

Conditions:
Inborn genetic diseases. Identifiers: MedGen C0950123, MeSH D030342.

Allele frequency attached by ClinVar (database versions not stated): gnomAD exomes below 0.00001.
gnomAD v4.1: 3 of 1,612,634 alleles (0.00019%); highest among the groups gnomAD compares: African/African-American, 0.0027%; no homozygotes.

Submission:

Ambry Genetics
Classification: Uncertain significance for Inborn genetic diseases. Last evaluated: 2024-11-03. Review status: criteria provided, single submitter. Criteria: Ambry Variant Classification Scheme 2023. Collection method: clinical testing. Allele origin: germline.
Comment: The p.V2447A variant (also known as c.7340T>C), located in coding exon 49 of the LRRK2 gene, results from a T to C substitution at nucleotide position 7340. The valine at codon 2447 is replaced by alanine, an amino acid with similar properties. This amino acid position is conserved. In addition, this alteration is predicted to be tolerated by in silico analysis. Since supporting evidence is limited at this time, the clinical significance of this alteration remains unclear.

NM_198578.4(LRRK2):c.7340T>C (p.Val2447Ala)

Gene: LRRK2 (leucine rich repeat kinase 2; plus strand). Cytogenetic location: 12q12.
Variant type: single nucleotide variant.
Coding change: c.7340T>C on transcript NM_198578.4 (MANE Select); coding-DNA position 7340, T replaced by C.
Protein change: p.Val2447Ala; replaces valine 2447 with alanine.
Molecular consequence: missense variant.
Genome position (GRCh38, 1-based): chr12:40,365,000, T>C. VCF-style: chr12-40365000-T-C. GRCh37 (hg19) VCF-style: chr12-40758802-T-C.
Other names: short protein forms V2447A.
Identifiers: ClinVar variation 1758417 (VCV001758417.3), dbSNP rs1946834397, ClinGen allele CA384415234.